The following is an entry in ClinVar:

NM_005881.4(BCKDK):c.921C>T (p.Val307=)

Gene: BCKDK (branched chain keto acid dehydrogenase kinase; plus strand). Cytogenetic location: 16p11.2.
Variant type: single nucleotide variant.
Coding change: c.921C>T on transcript NM_005881.4 (MANE Select); coding-DNA position 921, C replaced by T.
Protein change: p.Val307=; no amino-acid change (valine 307 retained).
Molecular consequence: synonymous variant. On other transcripts: intron variant (1).
Genome position (GRCh38, 1-based): chr16:31,111,375, C>T. VCF-style: chr16-31111375-C-T. GRCh37 (hg19) VCF-style: chr16-31122696-C-T.
Other names: c.921C>T, p.Val307= (NM_001122957.4); c.845+156C>T (NM_001271926.3).
Identifiers: ClinVar variation 3341769 (VCV003341769.17).

ClinVar aggregate classification (germline): Likely benign. Review status: criteria provided, multiple submitters, no conflicts (2 of 4 stars). 2 submissions from 2 submitters: Likely benign (2). Last evaluated 2024-08-01.

gnomAD v4.1: 26 of 1,613,954 alleles (0.0016%); highest among the groups gnomAD compares: Non-Finnish European, 0.0021%; no homozygotes.

Submissions (2):

CeGaT Center for Human Genetics Tuebingen
Classification: Likely benign. Last evaluated: 2024-08-01. Review status: criteria provided, single submitter. Criteria: CeGaT Center For Human Genetics Tuebingen Variant Classification Criteria Version 2. Collection method: clinical testing. Allele origin: germline. Affected: yes. Observed: 1 variant allele.
Comment: BCKDK: BP4, BP7

Blueprint Genetics
Classification: Likely benign. Last evaluated: 2021-11-24. Review status: criteria provided, single submitter. Criteria: ACMG Guidelines, 2015. Collection method: clinical testing. Allele origin: germline.